The following is an entry in ClinVar:

ClinVar aggregate classification (germline): Uncertain significance (1 of 4 stars; one submission).

Submission:

Labcorp Genetics (formerly Invitae), Labcorp
Classification: Uncertain significance. Last evaluated: 2024-09-26. Review status: criteria provided, single submitter. Criteria: Invitae Variant Classification Sherloc (09022015). Collection method: clinical testing. Allele origin: germline.
Comment: This sequence change replaces glutamic acid, which is acidic and polar, with aspartic acid, which is acidic and polar, at codon 104 of the BGN protein (p.Glu104Asp). This variant is not present in population databases (gnomAD no frequency). This variant has not been reported in the literature in individuals affected with BGN-related conditions. Invitae Evidence Modeling of protein sequence and biophysical properties (such as structural, functional, and spatial information, amino acid conservation, physicochemical variation, residue mobility, and thermodynamic stability) indicates that this missense variant is not expected to disrupt BGN protein function with a negative predictive value of 80%. In summary, the available evidence is currently insufficient to determine the role of this variant in disease. Therefore, it has been classified as a Variant of Uncertain Significance.

NM_001711.6(BGN):c.312G>T (p.Glu104Asp)

Gene: BGN (biglycan; plus strand). Cytogenetic location: Xq28.
Variant type: single nucleotide variant.
Coding change: c.312G>T on transcript NM_001711.6 (MANE Select); coding-DNA position 312, G replaced by T.
Protein change: p.Glu104Asp; replaces glutamic acid 104 with aspartic acid.
Molecular consequence: missense variant.
Genome position (GRCh38, 1-based): chrX:153,505,311, G>T. VCF-style: chrX-153505311-G-T. GRCh37 (hg19) VCF-style: chrX-152770769-G-T.
Other names: short protein forms E104D.
Identifiers: ClinVar variation 3617953 (VCV003617953.2).